The following is an entry in ClinVar:

NM_153026.3(PRICKLE1):c.246+7T>C

Gene: PRICKLE1 (prickle planar cell polarity protein 1; minus strand). Cytogenetic location: 12q12.
Variant type: single nucleotide variant.
Coding change: c.246+7T>C on transcript NM_153026.3 (MANE Select); 7 bases into the intron after coding-DNA position 246, T replaced by C.
Molecular consequence: intron variant.
Genome position (GRCh38, 1-based): chr12:42,470,239, A>G on the plus strand (T>C on the coding strand, the complement: PRICKLE1 is on the minus strand). VCF-style: chr12-42470239-A-G. GRCh37 (hg19) VCF-style: chr12-42864041-A-G.
Other names: c.246+7T>C (NM_001144883.2, NM_001144882.2, NM_001144881.2).
Identifiers: ClinVar variation 515712 (VCV000515712.2), dbSNP rs1370173390, ClinGen allele CA604544506.

ClinVar aggregate classification (germline): Likely benign. Review status: criteria provided, multiple submitters, no conflicts (2 of 4 stars). 2 submissions from 2 submitters: Likely benign (2). Last evaluated 2024-06-26.

Allele frequency attached by ClinVar (database versions not stated): gnomAD exomes 0.00001; TOPMed 0.00001; gnomAD 0.00002.
gnomAD v4.1: 18 of 1,573,062 alleles (0.0011%); highest among the groups gnomAD compares: Middle Eastern, 0.017%; no homozygotes.

Submissions (2):

Blueprint Genetics
Classification: Likely benign. Last evaluated: 2024-06-26. Review status: criteria provided, single submitter. Criteria: ACMG Guidelines, 2015. Collection method: clinical testing. Allele origin: germline.

GeneDx
Classification: Likely benign. Last evaluated: 2018-02-28. Review status: criteria provided, single submitter. Criteria: GeneDx Variant Classification (06012015). Collection method: clinical testing. Allele origin: germline. Affected: yes.
Comment: This variant is considered likely benign or benign based on one or more of the following criteria: it is a conservative change, it occurs at a poorly conserved position in the protein, it is predicted to be benign by multiple in silico algorithms, and/or has population frequency not consistent with disease.